The following is an entry in ClinVar:

ClinVar aggregate classification (germline): Uncertain significance. Review status: criteria provided, multiple submitters, no conflicts (2 of 4 stars). 2 submissions from 2 submitters: Uncertain significance (2). Last evaluated 2025-10-31.

Allele frequency attached by ClinVar (database versions not stated): gnomAD exomes 0.00002; TOPMed 0.00008; gnomAD 0.00012.
gnomAD v4.1: 45 of 1,557,820 alleles (0.0029%); highest among the groups gnomAD compares: African/African-American, 0.034%; no homozygotes.

Submissions (2):

Labcorp Genetics (formerly Invitae), Labcorp
Classification: Uncertain significance. Last evaluated: 2025-10-31. Review status: criteria provided, single submitter. Criteria: Invitae Variant Classification Sherloc (09022015). Collection method: clinical testing. Allele origin: germline.
Comment: This sequence change replaces arginine, which is basic and polar, with glutamine, which is neutral and polar, at codon 1163 of the MYH7B protein (p.Arg1163Gln). The frequency data for this variant in the population databases is considered unreliable, as metrics indicate poor data quality at this position in the gnomAD database. This variant has not been reported in the literature in individuals affected with MYH7B-related conditions. ClinVar contains an entry for this variant (Variation ID: 2415831). Invitae Evidence Modeling of protein sequence and biophysical properties (such as structural, functional, and spatial information, amino acid conservation, physicochemical variation, residue mobility, and thermodynamic stability) indicates that this missense variant is not expected to disrupt MYH7B protein function with a negative predictive value of 80%. In summary, the available evidence is currently insufficient to determine the role of this variant in disease. Therefore, it has been classified as a Variant of Uncertain Significance.

Ambry Genetics
Classification: Uncertain significance. Last evaluated: 2025-06-06. Review status: criteria provided, single submitter. Criteria: Ambry Variant Classification Scheme 2023. Collection method: clinical testing. Allele origin: germline.

NM_020884.7(MYH7B):c.3362G>A (p.Arg1121Gln)

Gene: MYH7B (myosin heavy chain 7B; plus strand). Cytogenetic location: 20q11.22.
Variant type: single nucleotide variant.
Coding change: c.3362G>A on transcript NM_020884.7 (MANE Select); coding-DNA position 3362, G replaced by A.
Protein change: p.Arg1121Gln; replaces arginine 1121 with glutamine.
Molecular consequence: missense variant.
Genome position (GRCh38, 1-based): chr20:34,997,255, G>A. VCF-style: chr20-34997255-G-A. GRCh37 (hg19) VCF-style: chr20-33585058-G-A.
Other names: c.3488G>A (NM_020884.3); short protein forms R1121Q.
Identifiers: ClinVar variation 2415831 (VCV002415831.7), dbSNP rs776164665, ClinGen allele CA9827714.